The following is an entry in ClinVar:

NM_032447.5(FBN3):c.1225A>G (p.Ile409Val)

Gene: FBN3 (fibrillin 3; minus strand). Cytogenetic location: 19p13.2.
Variant type: single nucleotide variant.
Coding change: c.1225A>G on transcript NM_032447.5 (MANE Select); coding-DNA position 1225, A replaced by G.
Protein change: p.Ile409Val; replaces isoleucine 409 with valine.
Molecular consequence: missense variant.
Genome position (GRCh38, 1-based): chr19:8,136,508, T>C on the plus strand (A>G on the coding strand, the complement: FBN3 is on the minus strand). VCF-style: chr19-8136508-T-C. GRCh37 (hg19) VCF-style: chr19-8201392-T-C.
Other names: c.1225A>G, p.Ile409Val (NM_001321431.2); short protein forms I409V.
Identifiers: ClinVar variation 2419866 (VCV002419866.6), dbSNP rs373316587, ClinGen allele CA9153420.
Genomic context (GRCh38, chr19:8,136,508, plus strand): 5'-AAGGCGTGGGCAGGCAGCGGCCATTCAGACACAGGTTGGTGAAGTGTCGGCAGATGTCAA[T>C]GGTCTGGTTCAGGGTAGCAGTGCCTACGGGTGGGGCCGGCAGAGGCATCTGAGCAGTGGC-3'
Protein context (NP_115823.3, residues 399-419): NIGTATLNQT[Ile409Val]DICRHFTNLC

ClinVar aggregate classification (germline): Uncertain significance (1 of 4 stars; one submission).

Allele frequency attached by ClinVar (database versions not stated): gnomAD exomes 0.00001; ExAC 0.00002.

Submission:

Labcorp Genetics (formerly Invitae), Labcorp
Classification: Uncertain significance. Last evaluated: 2025-04-14. Review status: criteria provided, single submitter. Criteria: Invitae Variant Classification Sherloc (09022015). Collection method: clinical testing. Allele origin: germline.
Comment: This sequence change replaces isoleucine, which is neutral and non-polar, with valine, which is neutral and non-polar, at codon 409 of the FBN3 protein (p.Ile409Val). This variant is present in population databases (rs373316587, gnomAD 0.006%). This variant has not been reported in the literature in individuals affected with FBN3-related conditions. ClinVar contains an entry for this variant (Variation ID: 2419866). An algorithm developed to predict the effect of missense changes on protein structure and function outputs the following: PolyPhen-2: "Benign". The valine amino acid residue is found in multiple mammalian species, which suggests that this missense change does not adversely affect protein function. In summary, the available evidence is currently insufficient to determine the role of this variant in disease. Therefore, it has been classified as a Variant of Uncertain Significance.